The following is an entry in ClinVar:

ClinVar aggregate classification (germline): Pathogenic (1 of 4 stars; one submission).

Conditions:
Kennedy disease (SMAX1). Also called: SPINAL AND BULBAR MUSCULAR ATROPHY, X-LINKED 1; KENNEDY SPINAL AND BULBAR MUSCULAR ATROPHY; Spinal and Bulbar Muscular Atrophy. Identifiers: Orphanet 481, MedGen C1839259, MONDO:0010735, OMIM 313200.
Androgen resistance syndrome (AIS). Also called: ANDROGEN RECEPTOR DEFICIENCY; DIHYDROTESTOSTERONE RECEPTOR DEFICIENCY; TESTICULAR FEMINIZATION SYNDROME; Androgen insensitivity syndrome; Androgen insensitivity; DHTR DEFICIENCY. Identifiers: Orphanet 754, Orphanet 99429, MedGen C0039585, MONDO:0019154, OMIM 300068. Disease mechanism: loss of function.

Submission:

Labcorp Genetics (formerly Invitae), Labcorp
Classification: Pathogenic for Kennedy disease; Androgen resistance syndrome. Last evaluated: 2024-12-19. Review status: criteria provided, single submitter. Criteria: Invitae Variant Classification Sherloc (09022015). Collection method: clinical testing. Allele origin: germline.
Comment: This sequence change creates a premature translational stop signal (p.Glu81Aspfs*2) in the AR gene. It is expected to result in an absent or disrupted protein product. Loss-of-function variants in AR are known to be pathogenic (PMID: 19463997). This variant is not present in population databases (gnomAD no frequency). This variant has not been reported in the literature in individuals affected with AR-related conditions. For these reasons, this variant has been classified as Pathogenic.

Literature cited by the submitters: PubMed 19463997.

NM_000044.6(AR):c.243_244del (p.Glu81fs)

Genes: AR (androgen receptor; plus strand), LOC109504725 (androgen receptor repeat instability region; plus strand). Cytogenetic location: Xq12.
Variant type: Microsatellite.
Coding change: c.243_244del on transcript NM_000044.6 (MANE Select); coding-DNA positions 243 to 244, 2 bases deleted (GA; older notation c.243_244delGA).
Protein change: p.Glu81fs; shifts the reading frame from glutamic acid 81.
Molecular consequence: frameshift variant. On other transcripts: 5 prime UTR variant (1).
Genome position (GRCh38, 1-based): chrX:67,545,389-67,545,390, GA deleted; deleting any 2 consecutive bases within chrX:67,545,386-67,545,390 gives the same sequence; the c. name uses the placement nearest the transcript's 3' end. VCF-style (leftmost placement, unchanged base first): chrX-67545385-AAG-A. GRCh37 (hg19) VCF-style: chrX-66765227-AAG-A.
Other names: c.-1543GA[1] (NM_001011645.3); c.243_244del, p.Glu81fs (NM_001348061.1, NM_001348063.1, NM_001348064.1); short protein forms E81fs.
Identifiers: ClinVar variation 3760122 (VCV003760122.2).
Genomic context (GRCh38, chrX:67,545,385, plus strand): 5'-AGCAGCAGCAGCAGCAGCAGCAGCAGCAGCAGCAGCAGCAGCAGCAGCAGCAGCAGCAGC[AAG>A]AGACTAGCCCCAGGCAGCAGCAGCAGCAGCAGGGTGAGGATGGTTCTCCCCAAGCCCATC-3'